The following is an entry in ClinVar:

NM_001378454.1(ALMS1):c.1707A>G (p.Thr569=)

Gene: ALMS1 (ALMS1 centrosome and basal body associated protein; plus strand). Cytogenetic location: 2p13.1.
Variant type: single nucleotide variant.
Coding change: c.1707A>G on transcript NM_001378454.1 (MANE Select); coding-DNA position 1707, A replaced by G.
Protein change: p.Thr569=; no amino-acid change (threonine 569 retained).
Molecular consequence: synonymous variant.
Genome position (GRCh38, 1-based): chr2:73,448,234, A>G. VCF-style: chr2-73448234-A-G. GRCh37 (hg19) VCF-style: chr2-73675361-A-G.
Other names: c.1710A>G, p.Thr570= (NM_015120.4).
Identifiers: ClinVar variation 392353 (VCV000392353.5), dbSNP rs752130351, ClinGen allele CA1713213.

ClinVar aggregate classification (germline): Likely benign. Review status: criteria provided, multiple submitters, no conflicts (2 of 4 stars). 2 submissions from 2 submitters: Likely benign (2). Last evaluated 2024-02-24.

Conditions:
Alstrom syndrome (ALMS). Identifiers: Orphanet 64, MedGen C0268425, MONDO:0008763, OMIM 203800.

Allele frequency attached by ClinVar (database versions not stated): gnomAD exomes below 0.00001; TOPMed below 0.00001; ExAC 0.00001; gnomAD 0.00001.
gnomAD v4.1: 2 of 1,613,950 alleles (0.00012%); highest among the groups gnomAD compares: African/African-American, 0.0013%; no homozygotes.

Submissions (2):

Labcorp Genetics (formerly Invitae), Labcorp
Classification: Likely benign for Alstrom syndrome. Last evaluated: 2024-02-24. Review status: criteria provided, single submitter. Criteria: Invitae Variant Classification Sherloc (09022015). Collection method: clinical testing. Allele origin: germline.

GeneDx
Classification: Likely benign. Last evaluated: 2017-01-05. Review status: criteria provided, single submitter. Criteria: GeneDx Variant Classification (06012015). Collection method: clinical testing. Allele origin: germline. Affected: yes.
Comment: This variant is considered likely benign or benign based on one or more of the following criteria: it is a conservative change, it occurs at a poorly conserved position in the protein, it is predicted to be benign by multiple in silico algorithms, and/or has population frequency not consistent with disease.